The following is an entry in ClinVar:

ClinVar aggregate classification (germline): Benign/Likely benign. Review status: criteria provided, multiple submitters, no conflicts (2 of 4 stars). 7 submissions from 6 submitters: Benign (5); Likely benign (2). Last evaluated 2026-02-04.

Conditions:
Congenital prothrombin deficiency. Also called: Hereditary factor II deficiency disease; Inherited hypoprothrombinemia; Congenital factor II deficiency; Inherited prothrombin deficiency; Factor II deficiency; HYPOPROTHROMBINEMIA. Identifiers: Orphanet 325, MedGen C0272317, MONDO:0013361, OMIM 613679.
Thrombophilia due to thrombin defect (THPH1). Also called: Thrombosis susceptibility; THROMBOPHILIA DUE TO FACTOR 2 DEFECT; Prothrombin-Related Thrombophilia (Factor II); Prothrombin Thrombophilia. Identifiers: MedGen C3160733, MONDO:0008559, OMIM 188050. Disease mechanism: gain of function, loss of function.

Allele frequency attached by ClinVar (database versions not stated): 1000 Genomes Project 30x 0.03935; 1000 Genomes Project 0.03974; TOPMed 0.06238; gnomAD 0.06530 and 0.06671; gnomAD exomes 0.06556 and 0.08020; ESP Exome Variant Server 0.07431; ExAC 0.07662.
gnomAD v4.1: 126,667 of 1,610,160 alleles (7.9%); highest among the groups gnomAD compares: Middle Eastern, 10%; 5,648 homozygotes.

Submissions (7):

Labcorp Genetics (formerly Invitae), Labcorp
Classification: Benign for Congenital prothrombin deficiency. Last evaluated: 2026-02-04. Review status: criteria provided, single submitter. Criteria: Invitae Variant Classification Sherloc (09022015). Collection method: clinical testing. Allele origin: germline.

GeneDx
Classification: Benign. Last evaluated: 2018-11-11. Review status: criteria provided, single submitter. Criteria: GeneDx Variant Classification Process June 2021. Collection method: clinical testing. Allele origin: germline. Affected: yes.

Illumina Laboratory Services, Illumina
Classification: Likely benign for Thrombophilia due to thrombin defect. Last evaluated: 2018-01-12. Review status: criteria provided, single submitter. Criteria: ICSL Variant Classification Criteria 13 December 2019. Collection method: clinical testing. Allele origin: germline.
Comment: This variant was observed in the ICSL laboratory as part of a predisposition screen in an ostensibly healthy population. It had not been previously curated by ICSL or reported in the Human Gene Mutation Database (HGMD: prior to June 1st, 2018), and was therefore a candidate for classification through an automated scoring system. Utilizing variant allele frequency, disease prevalence and penetrance estimates, and inheritance mode, an automated score was calculated to assess if this variant is too frequent to cause the disease. Based on the score and internal cut-off values, a variant classified as likely benign is not then subjected to further curation. The score for this variant resulted in a classification of likely benign for this disease.

Illumina Laboratory Services, Illumina
Classification: Benign for Congenital prothrombin deficiency. Last evaluated: 2018-01-12. Review status: criteria provided, single submitter. Criteria: ICSL Variant Classification Criteria 13 December 2019. Collection method: clinical testing. Allele origin: germline.
Comment: This variant was observed in the ICSL laboratory as part of a predisposition screen in an ostensibly healthy population. It had not been previously curated by ICSL or reported in the Human Gene Mutation Database (HGMD: prior to June 1st, 2018), and was therefore a candidate for classification through an automated scoring system. Utilizing variant allele frequency, disease prevalence and penetrance estimates, and inheritance mode, an automated score was calculated to assess if this variant is too frequent to cause the disease. Based on the score and internal cut-off values, a variant classified as benign is not then subjected to further curation. The score for this variant resulted in a classification of benign for this disease.

Mayo Clinic Laboratories, Mayo Clinic
Classification: Benign. Last evaluated: 2016-05-26. Review status: criteria provided, single submitter. Criteria: ACMG Guidelines, 2015. Collection method: clinical testing. Allele origin: germline. Observed: 31 variant alleles.

Breakthrough Genomics
Classification: Likely benign. Review status: criteria provided, single submitter. Criteria: ACMG Guidelines, 2015. Collection method: not provided. Allele origin: germline. Inheritance: Autosomal recessive inheritance. Affected: yes.

PreventionGenetics, part of Exact Sciences
Classification: Benign. Review status: criteria provided, single submitter. Criteria: ACMG Guidelines, 2015. Collection method: clinical testing. Allele origin: germline.

NM_000506.5(F2):c.1233G>A (p.Pro411=)

Gene: F2 (coagulation factor II, thrombin; plus strand). Cytogenetic location: 11p11.2.
Variant type: single nucleotide variant.
Coding change: c.1233G>A on transcript NM_000506.5 (MANE Select); coding-DNA position 1233, G replaced by A.
Protein change: p.Pro411=; no amino-acid change (proline 411 retained).
Molecular consequence: synonymous variant.
Genome position (GRCh38, 1-based): chr11:46,728,098, G>A. VCF-style: chr11-46728098-G-A. GRCh37 (hg19) VCF-style: chr11-46749648-G-A.
Other names: p.Pro411=.
Identifiers: ClinVar variation 256312 (VCV000256312.12), dbSNP rs5898, ClinGen allele CA5967212.
Genomic context (GRCh38, chr11:46,728,098, plus strand): 5'-TGGGGCCAGCCTCATCAGTGACCGCTGGGTCCTCACCGCCGCCCACTGCCTCCTGTACCC[G>A]CCCTGGGACAAGAACTTCACCGAGAATGACCTTCTGGTGCGCATTGGCAAGCACTCCCGC-3'
Protein context (NP_000497.1, residues 401-421): VLTAAHCLLY[Pro411=]PWDKNFTEND